The following is an entry in ClinVar:

NM_080605.4(B3GALT6):c.236C>A (p.Thr79Lys)

Gene: B3GALT6 (beta-1,3-galactosyltransferase 6; plus strand). Cytogenetic location: 1p36.33.
Variant type: single nucleotide variant.
Coding change: c.236C>A on transcript NM_080605.4 (MANE Select); coding-DNA position 236, C replaced by A.
Protein change: p.Thr79Lys; replaces threonine 79 with lysine.
Molecular consequence: missense variant.
Genome position (GRCh38, 1-based): chr1:1,232,514, C>A. VCF-style: chr1-1232514-C-A. GRCh37 (hg19) VCF-style: chr1-1167894-C-A.
Other names: short protein forms T79K.
Identifiers: ClinVar variation 2929786 (VCV002929786.1), dbSNP rs1409554936, ClinGen allele CA337823584.

ClinVar aggregate classification (germline): Uncertain significance (1 of 4 stars; one submission).

Conditions:
Ehlers-Danlos syndrome, spondylodysplastic type, 2 (EDSSPD2). Also called: Ehlers-Danlos syndrome, progeroid type, 2. Identifiers: Orphanet 536467, Orphanet 75496, MedGen C3809210, MONDO:0014139, OMIM 615349.
Spondyloepimetaphyseal dysplasia with joint laxity (SEMDJL). Identifiers: MedGen C0432243, MONDO:0019675.

Allele frequency attached by ClinVar (database versions not stated): gnomAD 0.00001.

Submission:

Labcorp Genetics (formerly Invitae), Labcorp
Classification: Uncertain significance for Ehlers-Danlos syndrome, spondylodysplastic type, 2; Spondyloepimetaphyseal dysplasia with joint laxity. Last evaluated: 2023-12-10. Review status: criteria provided, single submitter. Criteria: Invitae Variant Classification Sherloc (09022015). Collection method: clinical testing. Allele origin: germline.
Comment: This sequence change replaces threonine, which is neutral and polar, with lysine, which is basic and polar, at codon 79 of the B3GALT6 protein (p.Thr79Lys). The frequency data for this variant in the population databases is considered unreliable, as metrics indicate insufficient coverage at this position in the gnomAD database. This variant has not been reported in the literature in individuals affected with B3GALT6-related conditions. Advanced modeling of protein sequence and biophysical properties (such as structural, functional, and spatial information, amino acid conservation, physicochemical variation, residue mobility, and thermodynamic stability) performed at Invitae indicates that this missense variant is expected to disrupt B3GALT6 protein function with a positive predictive value of 80%. This variant disrupts the p.Thr79 amino acid residue in B3GALT6. Other variant(s) that disrupt this residue have been determined to be pathogenic (PMID: 24766538, 29443383). This suggests that this residue is clinically significant, and that variants that disrupt this residue are likely to be disease-causing. In summary, the available evidence is currently insufficient to determine the role of this variant in disease. Therefore, it has been classified as a Variant of Uncertain Significance.

Literature cited by the submitters: PubMed 24766538; PubMed 29443383.